The following is an entry in ClinVar:

ClinVar aggregate classification (germline): Uncertain significance. Review status: criteria provided, single submitter (1 of 4 stars). 2 submissions from 2 submitters: Uncertain significance (1). 1 of the submissions does not count toward it. Last evaluated 2026-08-26.

Conditions:
Alkaptonuria (AKU). Also called: Alcaptonuria; HOMOGENTISIC ACID OXIDASE DEFICIENCY; Homogentisic acidura; Alkaptonuric ochronosis. Identifiers: Orphanet 56, MedGen C0002066, MONDO:0008753, OMIM 203500.

Submissions (2):

Myriad Genetics, Inc.
Classification: Uncertain significance for Alkaptonuria. Last evaluated: 2026-08-26. Review status: criteria provided, single submitter. Criteria: Myriad Autosomal Dominant, Autosomal Recessive and X-Linked Classification Criteria (2023). Collection method: clinical testing. Allele origin: unknown.
Comment: NM_000187.3(HGD):c.98A>G(Q33R) is a missense variant classified as a variant of uncertain significance in the context of alkaptonuria. Q33R has been observed in a case with relevant disease (PMID: 23430897). Relevant functional assessments of this variant are not available in the literature. Q33R has not been observed in referenced population frequency databases. In summary, there is insufficient evidence to classify NM_000187.3(HGD):c.98A>G(Q33R) as pathogenic or benign. Please note: this variant was assessed in the context of healthy population screening.

Department Of Human Genetics, Institute Of Clinical And Translational Research, Biomedical Research Center, Slovak Academy Of Sciences
Classification: Pathogenic for Alkaptonuria. Review status: no assertion criteria provided. Collection method: research. Allele origin: germline. Inheritance: Autosomal recessive inheritance. Affected: yes. Observed: 1 variant allele. Not counted in ClinVar's aggregate classification.
Comment: The variant was originally described in AKU patient in PMID:23430897. It has been submitted to the HGD gene mutation database (DB-ID: AKU_00007).

Literature cited by the submitters: PubMed 23430897 (cited by Myriad Genetics, Inc. and Department Of Human Genetics, Institute Of Clinical And Translational Research, Biomedical Research Center, Slovak Academy Of Sciences).

NM_000187.4(HGD):c.98A>G (p.Gln33Arg)

Gene: HGD (homogentisate 1,2-dioxygenase; minus strand). Cytogenetic location: 3q13.33.
Variant type: single nucleotide variant.
Coding change: c.98A>G on transcript NM_000187.4 (MANE Select); coding-DNA position 98, A replaced by G.
Protein change: p.Gln33Arg; replaces glutamine 33 with arginine.
Molecular consequence: missense variant.
Genome position (GRCh38, 1-based): chr3:120,674,979, T>C on the plus strand (A>G on the coding strand, the complement: HGD is on the minus strand). VCF-style: chr3-120674979-T-C. GRCh37 (hg19) VCF-style: chr3-120393826-T-C.
Other names: short protein forms Q33R.
Identifiers: ClinVar variation 2626850 (VCV002626850.2), dbSNP rs2472801442, ClinGen allele CA354082246.